The following is an entry in ClinVar:

NM_145868.2(ANXA11):c.461_462insA (p.Gln155fs)

Gene: ANXA11 (annexin A11; minus strand). Cytogenetic location: 10q22.3.
Variant type: Insertion.
Coding change: c.461_462insA on transcript NM_145868.2 (MANE Select); coding-DNA positions 461 to 462, A inserted.
Protein change: p.Gln155fs; shifts the reading frame from glutamine 155.
Molecular consequence: frameshift variant.
Genome position: GRCh38 VCF-style: chr10-80169068-A-AT. GRCh37 (hg19) VCF-style: chr10-81928824-A-AT.
Other names: c.461_462insA, p.Gln155fs (NM_001157.3, NM_001278407.2, NM_001278408.2 and 1 more transcripts); c.362_363insA, p.Gln122fs (NM_001278409.2); short protein forms Q122fs, Q155fs.
Identifiers: ClinVar variation 2037712 (VCV002037712.4), dbSNP rs1318008811, ClinGen allele CA668855585.

ClinVar aggregate classification (germline): Uncertain significance (1 of 4 stars; one submission).

Allele frequency attached by ClinVar (database versions not stated): gnomAD exomes below 0.00001; TOPMed below 0.00001; gnomAD 0.00001.

Submission:

Labcorp Genetics (formerly Invitae), Labcorp
Classification: Uncertain significance. Last evaluated: 2022-07-13. Review status: criteria provided, single submitter. Criteria: Invitae Variant Classification Sherloc (09022015). Collection method: clinical testing. Allele origin: germline.
Comment: In summary, the available evidence is currently insufficient to determine the role of this variant in disease. Therefore, it has been classified as a Variant of Uncertain Significance. This variant has not been reported in the literature in individuals affected with ANXA11-related conditions. This variant is not present in population databases (gnomAD no frequency). This sequence change creates a premature translational stop signal (p.Gln155Serfs*42) in the ANXA11 gene. It is expected to result in an absent or disrupted protein product. However, the current clinical and genetic evidence is not sufficient to establish whether loss-of-function variants in ANXA11 cause disease.